The following is an entry in ClinVar:

ClinVar aggregate classification (germline): Benign. Review status: criteria provided, multiple submitters, no conflicts (2 of 4 stars). 6 submissions from 6 submitters: Benign (5). 1 of the submissions does not count toward it. Last evaluated 2026-02-04.

Conditions:
Pyruvate carboxylase deficiency. Also called: Pyruvate Carboxylase Deficiency Disease; LEIGH NECROTIZING ENCEPHALOPATHY DUE TO PYRUVATE CARBOXYLASE DEFICIENCY; LEIGH SYNDROME DUE TO PYRUVATE CARBOXYLASE DEFICIENCY; PC DEFICIENCY; ATAXIA WITH LACTIC ACIDOSIS II. Identifiers: Orphanet 3008, MedGen C0034341, MONDO:0009949, OMIM 266150.

Allele frequency attached by ClinVar (database versions not stated): 1000 Genomes Project 0.00579; 1000 Genomes Project 30x 0.00593; gnomAD 0.01152 and 0.01182; ExAC 0.01181; TOPMed 0.01262; ESP Exome Variant Server 0.01278; gnomAD exomes 0.01320 and 0.01477.
gnomAD v4.1: 23,642 of 1,614,112 alleles (1.5%); highest among the groups gnomAD compares: Middle Eastern, 2.8%; 317 homozygotes.

Submissions (6):

Labcorp Genetics (formerly Invitae), Labcorp
Classification: Benign for Pyruvate carboxylase deficiency. Last evaluated: 2026-02-04. Review status: criteria provided, single submitter. Criteria: Invitae Variant Classification Sherloc (09022015). Collection method: clinical testing. Allele origin: germline.

ARUP Laboratories, Molecular Genetics and Genomics, ARUP Laboratories
Classification: Benign for Pyruvate carboxylase deficiency. Last evaluated: 2023-09-22. Review status: criteria provided, single submitter. Criteria: ARUP Molecular Germline Variant Investigation Process 2024. Collection method: clinical testing. Allele origin: germline.

Illumina Laboratory Services, Illumina
Classification: Benign for Pyruvate carboxylase deficiency. Last evaluated: 2018-01-12. Review status: criteria provided, single submitter. Criteria: ICSL Variant Classification Criteria 13 December 2019. Collection method: clinical testing. Allele origin: germline.
Comment: This variant was observed in the ICSL laboratory as part of a predisposition screen in an ostensibly healthy population. It had not been previously curated by ICSL or reported in the Human Gene Mutation Database (HGMD: prior to June 1st, 2018), and was therefore a candidate for classification through an automated scoring system. Utilizing variant allele frequency, disease prevalence and penetrance estimates, and inheritance mode, an automated score was calculated to assess if this variant is too frequent to cause the disease. Based on the score and internal cut-off values, a variant classified as benign is not then subjected to further curation. The score for this variant resulted in a classification of benign for this disease.

GeneDx
Classification: Benign. Last evaluated: 2015-03-03. Review status: criteria provided, single submitter. Criteria: GeneDx Variant Classification Process June 2021. Collection method: clinical testing. Allele origin: germline. Affected: yes.

Breakthrough Genomics
Classification: Benign. Review status: criteria provided, single submitter. Criteria: ACMG Guidelines, 2015. Collection method: not provided. Allele origin: germline. Inheritance: Autosomal recessive inheritance. Affected: yes.

Mayo Clinic Laboratories, Mayo Clinic
Classification: Benign. Last evaluated: 2016-02-24. Review status: no assertion criteria provided. Collection method: clinical testing. Allele origin: unknown. Not counted in ClinVar's aggregate classification.

NM_001040716.2(PC):c.2619C>T (p.Asn873=)

Gene: PC (pyruvate carboxylase; minus strand). Cytogenetic location: 11q13.2.
Variant type: single nucleotide variant.
Coding change: c.2619C>T on transcript NM_001040716.2 (MANE Select); coding-DNA position 2619, C replaced by T.
Protein change: p.Asn873=; no amino-acid change (asparagine 873 retained).
Molecular consequence: synonymous variant.
Genome position (GRCh38, 1-based): chr11:66,850,319, G>A on the plus strand (C>T on the coding strand, the complement: PC is on the minus strand). VCF-style: chr11-66850319-G-A. GRCh37 (hg19) VCF-style: chr11-66617790-G-A.
Other names: c.2619C>T, p.Asn873= (NM_000920.4, NM_022172.3).
Identifiers: ClinVar variation 21227 (VCV000021227.29), dbSNP rs2229745, ClinGen allele CA341768.